The following is an entry in ClinVar:

NM_032802.4(SPPL2A):c.919C>T (p.Arg307Ter)

Gene: SPPL2A (signal peptide peptidase like 2A; minus strand). Cytogenetic location: 15q21.2.
Variant type: single nucleotide variant.
Coding change: c.919C>T on transcript NM_032802.4 (MANE Select); coding-DNA position 919, C replaced by T.
Protein change: p.Arg307Ter; replaces arginine 307 with a stop codon.
Molecular consequence: nonsense.
Genome position (GRCh38, 1-based): chr15:50,736,114, G>A on the plus strand (C>T on the coding strand, the complement: SPPL2A is on the minus strand). VCF-style: chr15-50736114-G-A. GRCh37 (hg19) VCF-style: chr15-51028311-G-A.
Other names: short protein forms R307*.
Identifiers: ClinVar variation 3685632 (VCV003685632.2).

ClinVar aggregate classification (germline): Uncertain significance (1 of 4 stars; one submission).

Submission:

Labcorp Genetics (formerly Invitae), Labcorp
Classification: Uncertain significance. Last evaluated: 2024-07-08. Review status: criteria provided, single submitter. Criteria: Invitae Variant Classification Sherloc (09022015). Collection method: clinical testing. Allele origin: germline.
Comment: This sequence change creates a premature translational stop signal (p.Arg307*) in the SPPL2A gene. It is expected to result in an absent or disrupted protein product. However, the current clinical and genetic evidence is not sufficient to establish whether loss-of-function variants in SPPL2A cause disease. This variant is present in population databases (no rsID available, gnomAD 0.0009%). This variant has not been reported in the literature in individuals affected with SPPL2A-related conditions. In summary, the available evidence is currently insufficient to determine the role of this variant in disease. Therefore, it has been classified as a Variant of Uncertain Significance.